The following is an entry in ClinVar:

NM_000092.5(COL4A4):c.3089del (p.Gly1030fs)

Gene: COL4A4 (collagen type IV alpha 4 chain; minus strand). Cytogenetic location: 2q36.3.
Variant type: Deletion.
Coding change: c.3089del on transcript NM_000092.5 (MANE Select); coding-DNA position 3089, one base deleted (G; older notation c.3089delG).
Protein change: p.Gly1030fs; shifts the reading frame from glycine 1030.
Molecular consequence: frameshift variant.
Genome position (GRCh38, 1-based): chr2:227,051,038, C deleted on the plus strand (G on the coding strand, the reverse complement: COL4A4 is on the minus strand); the first of 2 consecutive C bases (chr2:227,051,038-227,051,039); deleting either gives the same sequence. VCF-style (leftmost placement, unchanged base first): chr2-227051037-GC-G. GRCh37 (hg19) VCF-style: chr2-227915753-GC-G.
Other names: c.3088delG, p.Gly1030Alafs (NM_000092.4); short protein forms G1030fs.
Identifiers: ClinVar variation 4817324 (VCV004817324.1).

ClinVar aggregate classification (germline): Likely pathogenic (1 of 4 stars; one submission).

Conditions:
Alport syndrome. Also called: Hemorrhagic familial nephritis; Hemorrhagic hereditary nephritis; Congenital hereditary hematuria. Identifiers: Orphanet 63, MedGen C1567741, MONDO:0018965.

Submission:

Natera, Inc.
Classification: Likely pathogenic for Alport syndrome. Last evaluated: 2025-06-02. Review status: criteria provided, single submitter. Criteria: Natera Variant Classification Schema (03/2026). Collection method: clinical testing. Allele origin: germline.
Comment: The c.3089del variant in COL4A4 is a frameshift variant predicted to shift the reading frame beginning at codon 1030 and leads to a stop codon 8 codons downstream. This variant is expected to result in nonsense mediated decay, truncation, or a dysfunctional protein product. This variant is rare in the general population with a frequency below the threshold expected for the associated phenotype(s). Given the available evidence, this variant is classified as Likely Pathogenic.